The following is an entry in ClinVar:

ClinVar aggregate classification (germline): Uncertain significance (1 of 4 stars; one submission).

Conditions:
Cardiovascular phenotype. Identifiers: MedGen CN230736.

Submission:

Ambry Genetics
Classification: Uncertain significance for Cardiovascular phenotype. Last evaluated: 2026-01-21. Review status: criteria provided, single submitter. Criteria: Ambry Variant Classification Scheme 2023. Collection method: clinical testing. Allele origin: germline.
Comment: The p.R1783S variant (also known as c.5347C>A), located in coding exon 34 of the MYH6 gene, results from a C to A substitution at nucleotide position 5347. The arginine at codon 1783 is replaced by serine, an amino acid with dissimilar properties. This amino acid position is conserved. In addition, this alteration is predicted to be deleterious by in silico analysis. Based on the available evidence, the clinical significance of this variant remains unclear.

NM_002471.4(MYH6):c.5347C>A (p.Arg1783Ser)

Gene: MYH6 (myosin heavy chain 6; minus strand). Cytogenetic location: 14q11.2.
Variant type: single nucleotide variant.
Coding change: c.5347C>A on transcript NM_002471.4 (MANE Select); coding-DNA position 5347, C replaced by A.
Protein change: p.Arg1783Ser; replaces arginine 1783 with serine.
Molecular consequence: missense variant.
Genome position (GRCh38, 1-based): chr14:23,384,660, G>T on the plus strand (C>A on the coding strand, the complement: MYH6 is on the minus strand). VCF-style: chr14-23384660-G-T. GRCh37 (hg19) VCF-style: chr14-23853869-G-T.
Other names: short protein forms R1783S.
Identifiers: ClinVar variation 4825129 (VCV004825129.1).